The following is an entry in ClinVar:

ClinVar aggregate classification (germline): Pathogenic (1 of 4 stars; one submission).

Submission:

CeGaT Center for Human Genetics Tuebingen
Classification: Pathogenic. Last evaluated: 2026-06-01. Review status: criteria provided, single submitter. Criteria: CeGaT Center For Human Genetics Tuebingen Variant Classification Criteria Version 2. Collection method: clinical testing. Allele origin: germline. Affected: yes. Observed: 2 variant alleles.
Comment: MYT1L: PVS1, PM2

NM_001303052.2(MYT1L):c.1953C>A (p.Tyr651Ter)

Gene: MYT1L (myelin transcription factor 1 like; minus strand). Cytogenetic location: 2p25.3.
Variant type: single nucleotide variant.
Coding change: c.1953C>A on transcript NM_001303052.2 (MANE Select); coding-DNA position 1953, C replaced by A.
Protein change: p.Tyr651Ter; replaces tyrosine 651 with a stop codon.
Molecular consequence: nonsense.
Genome position (GRCh38, 1-based): chr2:1,903,159, G>T on the plus strand (C>A on the coding strand, the complement: MYT1L is on the minus strand). VCF-style: chr2-1903159-G-T. GRCh37 (hg19) VCF-style: chr2-1906931-G-T.
Other names: c.1953C>A, p.Tyr651Ter (NM_001329844.2, NM_001329845.1, NM_001329851.3); c.1947C>A, p.Tyr649Ter (NM_001329846.3, NM_001329847.2, NM_001329848.1 and 3 more transcripts); short protein forms Y649*, Y651*.
Identifiers: ClinVar variation 4823485 (VCV004823485.4).
Genomic context (GRCh38, chr2:1,903,159, plus strand): 5'-GGATATATCCCTGGTTTGCACCTTGGGAGCTATGGCTCGCTTGCCATAAGTATGGTTGTC[G>T]TAACTGTTGTATTCAAACGAGGTCTTGGAATATTTCTCGAGCTCCTTGGCCAGGTTGGAA-3'